The following is an entry in ClinVar:

ClinVar aggregate classification (germline): Pathogenic (1 of 4 stars; one submission).

Conditions:
Breast-ovarian cancer, familial, susceptibility to, 1 (BROVCA1). Also called: BRCA1 Hereditary Breast and Ovarian Cancer; OVARIAN CANCER, SUSCEPTIBILITY TO. Identifiers: Orphanet 145, MedGen C2676676, MONDO:0011450, OMIM 604370. Disease mechanism: loss of function.

Submissions (2):

Consortium of Investigators of Modifiers of BRCA1/2 (CIMBA), c/o University of Cambridge
Classification: Pathogenic for Breast-ovarian cancer, familial, susceptibility to, 1. Last evaluated: 2015-10-02. Review status: criteria provided, single submitter. Criteria: CIMBA Mutation Classification guidelines May 2016. Collection method: clinical testing. Allele origin: germline.

Brotman Baty Institute, University of Washington
No classification provided (evidence only). Condition: Breast-ovarian cancer, familial 1. Review status: no classification provided. Collection method: in vitro. Allele origin: not applicable. Functional consequence: functionally_abnormal. Not counted in ClinVar's aggregate classification.
ClinVar note: "not provided" was previously submitted as the classification for the variant. However, the classification appeared to be based only on an observation of functional data so it was converted to no classification on 2025-07-30.

NM_007294.4(BRCA1):c.3G>C (p.Met1Ile)

Gene: BRCA1 (BRCA1 DNA repair associated; minus strand). Cytogenetic location: 17q21.31.
Variant type: single nucleotide variant.
Coding change: c.3G>C on transcript NM_007294.4 (MANE Select); coding-DNA position 3, G replaced by C.
Protein change: p.Met1Ile; changes the start codon (methionine 1).
Molecular consequence: missense variant, initiator codon variant. On other transcripts: 5 prime UTR variant (1), non-coding transcript variant (1).
Genome position (GRCh38, 1-based): chr17:43,124,094, C>G on the plus strand (G>C on the coding strand, the complement: BRCA1 is on the minus strand). VCF-style: chr17-43124094-C-G. GRCh37 (hg19) VCF-style: chr17-41276111-C-G.
Other names: c.-258G>C (NM_001408463.1, NM_001408466.1, NM_001408499.1 and 22 more transcripts); c.-85G>C (NM_001408464.1, NM_001408467.1, NM_001408496.1 and 23 more transcripts); c.-259G>C (NM_001408465.1, NM_001407695.1); c.-255G>C (NM_001408468.1, NM_001408501.1, NM_001407694.1 and 11 more transcripts); c.3G>C, p.Met1Ile (NM_001408472.1, NM_001408473.1, NM_001408474.1 and 193 more transcripts); c.-186G>C (NM_001408478.1, NM_001408479.1, NM_001408480.1 and 46 more transcripts); c.-331G>C (NM_001408482.1); c.-302G>C (NM_001408492.1, NM_001407889.1); and 8 more; short protein forms M1I.
Identifiers: ClinVar variation 267523 (VCV000267523.8), dbSNP rs80357475, ClinGen allele CA10602152.